The following is an entry in ClinVar:

NM_152703.5(SAMD9L):c.623C>A (p.Ala208Asp)

Gene: SAMD9L (sterile alpha motif domain containing 9 like; minus strand). Cytogenetic location: 7q21.2.
Variant type: single nucleotide variant.
Coding change: c.623C>A on transcript NM_152703.5 (MANE Select); coding-DNA position 623, C replaced by A.
Protein change: p.Ala208Asp; replaces alanine 208 with aspartic acid.
Molecular consequence: missense variant.
Genome position (GRCh38, 1-based): chr7:93,135,349, G>T on the plus strand (C>A on the coding strand, the complement: SAMD9L is on the minus strand). VCF-style: chr7-93135349-G-T. GRCh37 (hg19) VCF-style: chr7-92764662-G-T.
Other names: c.623C>A, p.Ala208Asp (NM_001303496.3, NM_001303497.3, NM_001303498.3 and 5 more transcripts); short protein forms A208D.
Identifiers: ClinVar variation 2803291 (VCV002803291.3), dbSNP rs2535436136, ClinGen allele CA368202032.

ClinVar aggregate classification (germline): Uncertain significance (1 of 4 stars; one submission).

gnomAD v4.1: 1 of 1,614,106 alleles (0.000062%); highest among the groups gnomAD compares: African/African-American, 0.0013%; no homozygotes.

Submission:

Labcorp Genetics (formerly Invitae), Labcorp
Classification: Uncertain significance. Last evaluated: 2024-01-09. Review status: criteria provided, single submitter. Criteria: Invitae Variant Classification Sherloc (09022015). Collection method: clinical testing. Allele origin: germline.
Comment: This sequence change replaces alanine, which is neutral and non-polar, with aspartic acid, which is acidic and polar, at codon 208 of the SAMD9L protein (p.Ala208Asp). This variant is not present in population databases (gnomAD no frequency). This variant has not been reported in the literature in individuals affected with SAMD9L-related conditions. An algorithm developed to predict the effect of missense changes on protein structure and function (PolyPhen-2) suggests that this variant is likely to be disruptive. In summary, the available evidence is currently insufficient to determine the role of this variant in disease. Therefore, it has been classified as a Variant of Uncertain Significance.